The following is an entry in ClinVar:

NM_024079.5(ALG8):c.1175T>A (p.Met392Lys)

Gene: ALG8 (ALG8 alpha-1,3-glucosyltransferase; minus strand). Cytogenetic location: 11q14.1.
Variant type: single nucleotide variant.
Coding change: c.1175T>A on transcript NM_024079.5 (MANE Select); coding-DNA position 1175, T replaced by A.
Protein change: p.Met392Lys; replaces methionine 392 with lysine.
Molecular consequence: missense variant. On other transcripts: non-coding transcript variant (1), intron variant (2).
Genome position (GRCh38, 1-based): chr11:78,106,810, A>T on the plus strand (T>A on the coding strand, the complement: ALG8 is on the minus strand). VCF-style: chr11-78106810-A-T. GRCh37 (hg19) VCF-style: chr11-77817856-A-T.
Other names: c.1175T>A, p.Met392Lys (NM_001007027.3, NM_001425222.1, NM_001425227.1 and 3 more transcripts); c.1178T>A, p.Met393Lys (NM_001425219.1); c.1160T>A, p.Met387Lys (NM_001425220.1); c.1100T>A, p.Met367Lys (NM_001425221.1); c.1169T>A, p.Met390Lys (NM_001425223.1); c.1268T>A, p.Met423Lys (NM_001425224.1); c.1223T>A, p.Met408Lys (NM_001425225.1); c.1022T>A, p.Met341Lys (NM_001425226.1, NM_001425236.1); and 10 more; short protein forms M220K, M305K, M325K, M341K, M423K, M228K, M283K, M334K.
Identifiers: ClinVar variation 3717136 (VCV003717136.2).
Genomic context (GRCh38, chr11:78,106,810, plus strand): 5'-AAAATAGGATCATTGTGAAATATGCCAAAATGCTCACTGGCTGAGCTATCTGCTTACCTC[A>T]TTGGGAGAATTGCTAGAAGTATGGCTTTTTCATGAACATGCCACCCAAACATAAAGGAGC-3'
Protein context (NP_076984.2, residues 382-402): EKAILLAILP[Met392Lys]SLLSVGKAGD

ClinVar aggregate classification (germline): Uncertain significance (1 of 4 stars; one submission).

Conditions:
ALG8 congenital disorder of glycosylation. Also called: CONGENITAL DISORDER OF GLYCOSYLATION, TYPE Ih; ALG8-CDG; CDG Ih. Identifiers: Orphanet 79325, MedGen C2931002, MONDO:0011969, OMIM 608104.

gnomAD v4.1: 1 of 1,613,964 alleles (0.000062%); highest among the groups gnomAD compares: East Asian, 0.0022%; no homozygotes.

Submission:

Labcorp Genetics (formerly Invitae), Labcorp
Classification: Uncertain significance for ALG8 congenital disorder of glycosylation. Last evaluated: 2024-12-29. Review status: criteria provided, single submitter. Criteria: Invitae Variant Classification Sherloc (09022015). Collection method: clinical testing. Allele origin: germline.
Comment: This sequence change replaces methionine, which is neutral and non-polar, with lysine, which is basic and polar, at codon 392 of the ALG8 protein (p.Met392Lys). This variant is not present in population databases (gnomAD no frequency). This variant has not been reported in the literature in individuals affected with ALG8-related conditions. Invitae Evidence Modeling of protein sequence and biophysical properties (such as structural, functional, and spatial information, amino acid conservation, physicochemical variation, residue mobility, and thermodynamic stability) has been performed for this missense variant. However, the output from this modeling did not meet the statistical confidence thresholds required to predict the impact of this variant on ALG8 protein function. In summary, the available evidence is currently insufficient to determine the role of this variant in disease. Therefore, it has been classified as a Variant of Uncertain Significance.